The following is an entry in ClinVar:

NM_022725.4(FANCF):c.670C>A (p.Pro224Thr)

Gene: FANCF (FA complementation group F; minus strand). Cytogenetic location: 11p14.3.
Variant type: single nucleotide variant.
Coding change: c.670C>A on transcript NM_022725.4 (MANE Select); coding-DNA position 670, C replaced by A.
Protein change: p.Pro224Thr; replaces proline 224 with threonine.
Molecular consequence: missense variant.
Genome position (GRCh38, 1-based): chr11:22,625,141, G>T on the plus strand (C>A on the coding strand, the complement: FANCF is on the minus strand). VCF-style: chr11-22625141-G-T. GRCh37 (hg19) VCF-style: chr11-22646687-G-T.
Other names: short protein forms P224T.
Identifiers: ClinVar variation 856950 (VCV000856950.9), dbSNP rs767765820, ClinGen allele CA380058568.

ClinVar aggregate classification (germline): Uncertain significance (1 of 4 stars; one submission).

Conditions:
Fanconi anemia (FA). Also called: Fanconi's anemia. Identifiers: Orphanet 84, MedGen C0015625, MeSH D005199, MONDO:0019391.

Submission:

Labcorp Genetics (formerly Invitae), Labcorp
Classification: Uncertain significance for Fanconi anemia. Last evaluated: 2019-05-19. Review status: criteria provided, single submitter. Criteria: Invitae Variant Classification Sherloc (09022015). Collection method: clinical testing. Allele origin: germline.
Comment: In summary, the available evidence is currently insufficient to determine the role of this variant in disease. Therefore, it has been classified as a Variant of Uncertain Significance. Algorithms developed to predict the effect of missense changes on protein structure and function (SIFT, PolyPhen-2, Align-GVGD) all suggest that this variant is likely to be tolerated, but these predictions have not been confirmed by published functional studies and their clinical significance is uncertain. This variant has not been reported in the literature in individuals with FANCF-related conditions. This variant is not present in population databases (ExAC no frequency). This sequence change replaces proline with threonine at codon 224 of the FANCF protein (p.Pro224Thr). The proline residue is weakly conserved and there is a small physicochemical difference between proline and threonine.